The following is an entry in ClinVar:

NM_001320.7(CSNK2B):c.3G>A (p.Met1Ile)

Gene: CSNK2B (casein kinase 2 beta; plus strand). Cytogenetic location: 6p21.33.
Variant type: single nucleotide variant.
Coding change: c.3G>A on transcript NM_001320.7 (MANE Select); coding-DNA position 3, G replaced by A.
Protein change: p.Met1Ile; changes the start codon (methionine 1).
Molecular consequence: missense variant, initiator codon variant.
Genome position (GRCh38, 1-based): chr6:31,666,834, G>A. VCF-style: chr6-31666834-G-A. GRCh37 (hg19) VCF-style: chr6-31634611-G-A.
Other names: c.3G>A, p.Met1Ile (NM_001282385.2); short protein forms M1I.
Identifiers: ClinVar variation 3341965 (VCV003341965.18).
Genomic context (GRCh38, chr6:31,666,834, plus strand): 5'-GGCAGGGAAGGAGAACTTGAGCTTTACTGACACTGTTCTTTTTCTAGCTGACGTGAAGAT[G>A]AGCAGCTCAGAGGAGGTGTCCTGGATTTCCTGGTTCTGTGGGCTCCGTGGCAATGAATTC-3'
Protein context (NP_001311.3, residues 1-11): [Met1Ile]SSSEEVSWIS

ClinVar aggregate classification (germline): Pathogenic/Likely pathogenic. Review status: criteria provided, multiple submitters, no conflicts (2 of 4 stars). 4 submissions from 4 submitters: Pathogenic (2); Likely pathogenic (2). Last evaluated 2026-06-30.

Conditions:
Poirier-Bienvenu neurodevelopmental syndrome (POBINDS). Identifiers: Orphanet 689397, MedGen C5231482, MONDO:0032889, OMIM 618732.

Submissions (4):

Institute of Human Genetics, University of Leipzig Medical Center
Classification: Pathogenic for Poirier-Bienvenu neurodevelopmental syndrome. Last evaluated: 2026-06-30. Review status: criteria provided, single submitter. Criteria: ACMG Guidelines, 2015. Collection method: clinical testing. Allele origin: unknown. Inheritance: Autosomal dominant inheritance. Affected: yes.
Comment: Criteria applied: PS1,PVS1_MOD,PS2_MOD,PS4_MOD,PM2

CeGaT Center for Human Genetics Tuebingen
Classification: Likely pathogenic. Last evaluated: 2024-08-01. Review status: criteria provided, single submitter. Criteria: CeGaT Center For Human Genetics Tuebingen Variant Classification Criteria Version 2. Collection method: clinical testing. Allele origin: germline. Affected: yes. Observed: 1 variant allele.
Comment: CSNK2B: PM2, PS1:Moderate, PS2:Moderate, PVS1:Moderate, PS4:Supporting

Rady Children's Institute for Genomic Medicine, Rady Children's Hospital San Diego
Classification: Likely pathogenic for Poirier-Bienvenu Neurodevelopmental Syndrome. Last evaluated: 2023-10-31. Review status: criteria provided, single submitter. Criteria: ACMG Guidelines, 2015. Collection method: clinical testing. Allele origin: germline. Affected: yes.
Comment: This start loss variant affects the translation initiation codon (p.Met1) and is therefore predicted to lead to a complete absence of the CSNK2B protein. This variant has been previously reported as a de novo heterozygous change in patients with Poirier-Bienvenu neurodevelopmental syndrome (PMID: 34370157). Other variants that result in the loss of the (p.Met1) initiation codon have been reported in individuals with neurodevelopmental phenotypes (PMID: 34041744, 35370893). The c.3G>A (p.Met1?) variant is absent from the gnomAD population database and thus is presumed to be rare. Analysis of the parental samples was negative for the variant, indicating this variant likely occurred as a de novo event. Based on the available evidence, c.3G>A (p.Met1?) is classified as Likely Pathogenic.

GeneDx
Classification: Pathogenic. Last evaluated: 2023-09-13. Review status: criteria provided, single submitter. Criteria: GeneDx Variant Classification Process June 2021. Collection method: clinical testing. Allele origin: germline. Affected: yes.
Comment: Initiation codon variant in a gene for which loss of function is a known mechanism of disease; Not observed at significant frequency in large population cohorts (gnomAD); This variant is associated with the following publications: (PMID: 34370157)

Literature cited by the submitters: PubMed 34041744 (cited by Rady Children's Institute for Genomic Medicine, Rady Children's Hospital San Diego); 35370893 (cited by Rady Children's Institute for Genomic Medicine, Rady Children's Hospital San Diego).